The following is an entry in ClinVar:

ClinVar aggregate classification (germline): Likely benign (1 of 4 stars; one submission).

Conditions:
Hereditary diffuse gastric adenocarcinoma (HDGC). Also called: DIFFUSE GASTRIC AND LOBULAR BREAST CANCER SYNDROME. Identifiers: Orphanet 26106, MedGen C1708349, MONDO:0007648, OMIM 137215.

gnomAD v4.1: 1 of 1,563,866 alleles (0.000064%); highest among the groups gnomAD compares: Non-Finnish European, 0.000088%; no homozygotes.

Submission:

Myriad Genetics, Inc.
Classification: Likely benign for Hereditary diffuse gastric adenocarcinoma. Last evaluated: 2024-10-14. Review status: criteria provided, single submitter. Criteria: Myriad Autosomal Dominant, Autosomal Recessive and X-Linked Classification Criteria (2023). Collection method: clinical testing. Allele origin: unknown.
Comment: This variant is considered likely benign. This variant is intronic and is not expected to impact mRNA splicing.

NM_001903.5(CTNNA1):c.2193-15C>T

Gene: CTNNA1 (catenin alpha 1; plus strand). Cytogenetic location: 5q31.2.
Variant type: single nucleotide variant.
Coding change: c.2193-15C>T on transcript NM_001903.5 (MANE Select); 15 bases into the intron before coding-DNA position 2193, C replaced by T.
Molecular consequence: intron variant.
Genome position (GRCh38, 1-based): chr5:138,930,815, C>T. VCF-style: chr5-138930815-C-T. GRCh37 (hg19) VCF-style: chr5-138266504-C-T.
Other names: c.2193-15C>T (NM_001323982.2, NM_001323984.2, NM_001290307.3 and 2 more transcripts); c.2100-15C>T (NM_001323986.2); c.1824-15C>T (NM_001290310.3); c.1884-15C>T (NM_001290309.3); c.1083-15C>T (NM_001323996.1, NM_001323993.1, NM_001324005.1 and 17 more transcripts); c.744-15C>T (NM_001324007.1, NM_001324009.1, NM_001324006.1 and 2 more transcripts); c.840-15C>T (NM_001324013.1, NM_001324012.1); c.990-15C>T (NM_001324011.1).
Identifiers: ClinVar variation 3773490 (VCV003773490.1).
Genomic context (GRCh38, chr5:138,930,815, plus strand): 5'-GGACAATCTTCTTTTTCTACTCCAACTGTGAGGGGCTTCACATACAATAATCCTTGTTCT[C>T]TTCCCTCTTCTCAGAGGTAAAGGACCACTCAAAAATACATCGGATGTCATCAGTGCTGCC-3'